The following is an entry in ClinVar:

NM_182961.4(SYNE1):c.15951G>C (p.Leu5317Phe)

Gene: SYNE1 (spectrin repeat containing nuclear envelope protein 1; minus strand). Cytogenetic location: 6q25.2.
Variant type: single nucleotide variant.
Coding change: c.15951G>C on transcript NM_182961.4 (MANE Select); coding-DNA position 15951, G replaced by C.
Protein change: p.Leu5317Phe; replaces leucine 5317 with phenylalanine.
Molecular consequence: missense variant.
Genome position (GRCh38, 1-based): chr6:152,321,853, C>G on the plus strand (G>C on the coding strand, the complement: SYNE1 is on the minus strand). VCF-style: chr6-152321853-C-G. GRCh37 (hg19) VCF-style: chr6-152642988-C-G.
Other names: c.15738G>C, p.Leu5246Phe (NM_033071.5); short protein forms L5246F, L5317F.
Identifiers: ClinVar variation 1994005 (VCV001994005.4), dbSNP rs2484107889, ClinGen allele CA366119138.

ClinVar aggregate classification (germline): Uncertain significance (1 of 4 stars; one submission).

Conditions:
Autosomal recessive ataxia, Beauce type. Also called: SYNE1 Deficiency; Spinocerebellar ataxia, autosomal recessive 8; ATAXIA, RECESSIVE, OF BEAUCE; SYNE1-Related Autosomal Recessive Cerebellar Ataxia. Identifiers: Orphanet 88644, MedGen C1853116, MONDO:0012549, OMIM 610743.
Emery-Dreifuss muscular dystrophy 4, autosomal dominant (EDMD4). Also called: EMERY-DREIFUSS MUSCULAR DYSTROPHY 4 WITH VARIABLE FEATURES. Identifiers: Orphanet 261, MedGen C2751807, MONDO:0013071, OMIM 612998.

Submission:

Labcorp Genetics (formerly Invitae), Labcorp
Classification: Uncertain significance for Emery-Dreifuss muscular dystrophy 4, autosomal dominant; Autosomal recessive ataxia, Beauce type. Last evaluated: 2022-05-13. Review status: criteria provided, single submitter. Criteria: Invitae Variant Classification Sherloc (09022015). Collection method: clinical testing. Allele origin: germline.
Comment: In summary, the available evidence is currently insufficient to determine the role of this variant in disease. Therefore, it has been classified as a Variant of Uncertain Significance. Algorithms developed to predict the effect of missense changes on protein structure and function are either unavailable or do not agree on the potential impact of this missense change (SIFT: "Deleterious"; PolyPhen-2: "Benign"; Align-GVGD: "Class C0"). This variant has not been reported in the literature in individuals affected with SYNE1-related conditions. This variant is not present in population databases (gnomAD no frequency). This sequence change replaces leucine, which is neutral and non-polar, with phenylalanine, which is neutral and non-polar, at codon 5246 of the SYNE1 protein (p.Leu5246Phe).